The following is an entry in ClinVar:

ClinVar aggregate classification (germline): Uncertain significance (1 of 4 stars; one submission).

Allele frequency attached by ClinVar (database versions not stated): gnomAD exomes below 0.00001; TOPMed below 0.00001; gnomAD 0.00001.
gnomAD v4.1: 2 of 1,613,854 alleles (0.00012%); highest among the groups gnomAD compares: Admixed American, 0.0033%; no homozygotes.

Submission:

Labcorp Genetics (formerly Invitae), Labcorp
Classification: Uncertain significance. Last evaluated: 2021-04-23. Review status: criteria provided, single submitter. Criteria: Invitae Variant Classification Sherloc (09022015). Collection method: clinical testing. Allele origin: germline.
Comment: This variant results in an extension of the KCNV2 protein. Other variant(s) that result in a similarly extended protein product (p.*546Glnext60) have been observed in individuals with KCNV2-related conditions (PMID: 17896311). This suggests that these extensions may be clinically significant. In summary, the available evidence is currently insufficient to determine the role of this variant in disease. Therefore, it has been classified as a Variant of Uncertain Significance. This variant has been observed in individual(s) with clinical features of KCNV2-related conditions (PMID: 19952985). This variant is not present in population databases (ExAC no frequency). This sequence change disrupts the translational stop signal of the KCNV2 mRNA. It is expected to extend the length of the KCNV2 protein by 60 additional amino acid residues.

Literature cited by the submitters: PubMed 17896311; PubMed 19952985.

NM_133497.4(KCNV2):c.1638G>C (p.Ter546Tyr)

Gene: KCNV2 (potassium voltage-gated channel modifier subfamily V member 2; plus strand). Cytogenetic location: 9p24.2.
Variant type: single nucleotide variant.
Coding change: c.1638G>C on transcript NM_133497.4 (MANE Select); coding-DNA position 1638, G replaced by C.
Protein change: p.Ter546Tyr.
Molecular consequence: stop lost.
Genome position (GRCh38, 1-based): chr9:2,729,727, G>C. VCF-style: chr9-2729727-G-C. GRCh37 (hg19) VCF-style: chr9-2729727-G-C.
Identifiers: ClinVar variation 1500311 (VCV001500311.8), dbSNP rs1465469369, ClinGen allele CA372803896.
Genomic context (GRCh38, chr9:2,729,727, plus strand): 5'-GAAGATAGCTGAGTGTTTGCTTGGAAGCAACCCACAGCTCACCCCAAGACAAGAGAATTA[G>C]TATTTTATAGGACATGTGGCTGGTAGATTCCATGAACTTCAAGGCTTCATTGCTCTTTTT-3'